The following is an entry in ClinVar:

NM_001372.4(DNAH9):c.9478G>A (p.Ala3160Thr)

Gene: DNAH9 (dynein axonemal heavy chain 9; plus strand). Cytogenetic location: 17p12.
Variant type: single nucleotide variant.
Coding change: c.9478G>A on transcript NM_001372.4 (MANE Select); coding-DNA position 9478, G replaced by A.
Protein change: p.Ala3160Thr; replaces alanine 3160 with threonine.
Molecular consequence: missense variant.
Genome position (GRCh38, 1-based): chr17:11,834,869, G>A. VCF-style: chr17-11834869-G-A. GRCh37 (hg19) VCF-style: chr17-11738186-G-A.
Other names: short protein forms A3160T.
Identifiers: ClinVar variation 1396482 (VCV001396482.6), dbSNP rs1215857602, ClinGen allele CA398190168.

ClinVar aggregate classification (germline): Uncertain significance (1 of 4 stars; one submission).

Allele frequency attached by ClinVar (database versions not stated): gnomAD exomes below 0.00001; TOPMed below 0.00001.
gnomAD v4.1: 5 of 1,613,522 alleles (0.00031%); highest among the groups gnomAD compares: East Asian, 0.0022%; no homozygotes.

Submission:

Labcorp Genetics (formerly Invitae), Labcorp
Classification: Uncertain significance. Last evaluated: 2021-12-22. Review status: criteria provided, single submitter. Criteria: Invitae Variant Classification Sherloc (09022015). Collection method: clinical testing. Allele origin: germline.
Comment: This sequence change replaces alanine, which is neutral and non-polar, with threonine, which is neutral and polar, at codon 3160 of the DNAH9 protein (p.Ala3160Thr). The frequency data for this variant in the population databases is considered unreliable, as metrics indicate poor data quality at this position in the gnomAD database. This variant has not been reported in the literature in individuals affected with DNAH9-related conditions. Algorithms developed to predict the effect of missense changes on protein structure and function are either unavailable or do not agree on the potential impact of this missense change (SIFT: "Deleterious"; PolyPhen-2: "Probably Damaging"; Align-GVGD: "Class C0"). In summary, the available evidence is currently insufficient to determine the role of this variant in disease. Therefore, it has been classified as a Variant of Uncertain Significance.